The following is an entry in ClinVar:

ClinVar aggregate classification (germline): Conflicting classifications of pathogenicity. Review status: criteria provided, conflicting classifications (1 of 4 stars). 2 submissions from 2 submitters: Uncertain significance (1); Likely benign (1). Last evaluated 2025-08-24.

Conditions:
Polyglandular autoimmune syndrome, type 1 (APS1). Also called: Autoimmune polyendocrinopathy syndrome, type I; APS I; Autoimmune polyendocrinopathy syndrome , type I, with or without reversible metaphyseal dysplasia; HYPOADRENOCORTICISM WITH HYPOPARATHYROIDISM AND SUPERFICIAL MONILIASIS; PGA I; Autoimmune polyendocrine syndrome type 1. Identifiers: Orphanet 3453, MedGen C0085859, MONDO:0009411, OMIM 240300.
Inborn genetic diseases. Identifiers: MedGen C0950123, MeSH D030342.

Allele frequency attached by ClinVar (database versions not stated): gnomAD exomes 0.00001; ExAC 0.00002; TOPMed 0.00002.

Submissions (2):

Ambry Genetics
Classification: Likely benign for Inborn genetic diseases. Last evaluated: 2025-08-24. Review status: criteria provided, single submitter. Criteria: Ambry Variant Classification Scheme 2023. Collection method: clinical testing. Allele origin: germline.

Labcorp Genetics (formerly Invitae), Labcorp
Classification: Uncertain significance for Polyglandular autoimmune syndrome, type 1. Last evaluated: 2022-09-07. Review status: criteria provided, single submitter. Criteria: Invitae Variant Classification Sherloc (09022015). Collection method: clinical testing. Allele origin: germline.
Comment: This sequence change replaces methionine, which is neutral and non-polar, with valine, which is neutral and non-polar, at codon 194 of the AIRE protein (p.Met194Val). This variant is present in population databases (rs775297065, gnomAD 0.006%). This variant has not been reported in the literature in individuals affected with AIRE-related conditions. Advanced modeling of protein sequence and biophysical properties (such as structural, functional, and spatial information, amino acid conservation, physicochemical variation, residue mobility, and thermodynamic stability) performed at Invitae indicates that this missense variant is not expected to disrupt AIRE protein function. In summary, the available evidence is currently insufficient to determine the role of this variant in disease. Therefore, it has been classified as a Variant of Uncertain Significance.

NM_000383.4(AIRE):c.580A>G (p.Met194Val)

Gene: AIRE (autoimmune regulator; plus strand). Cytogenetic location: 21q22.3.
Variant type: single nucleotide variant.
Coding change: c.580A>G on transcript NM_000383.4 (MANE Select); coding-DNA position 580, A replaced by G.
Protein change: p.Met194Val; replaces methionine 194 with valine.
Molecular consequence: missense variant.
Genome position (GRCh38, 1-based): chr21:44,288,386, A>G. VCF-style: chr21-44288386-A-G. GRCh37 (hg19) VCF-style: chr21-45708269-A-G.
Other names: short protein forms M194V.
Identifiers: ClinVar variation 2150639 (VCV002150639.2), dbSNP rs775297065, ClinGen allele CA10051631.
Genomic context (GRCh38, chr21:44,288,386, plus strand): 5'-TGGGTGTTCCCTTTCCCAGGGATTCAGACCATGTCAGCTTCAGTCCAGAGAGCTGTGGCC[A>G]TGTCCTCCGGGGACGTCCCGGGAGCCCGAGGGGCCGTGGAGGGGATCCTCATCCAGCAGG-3'
Protein context (NP_000374.1, residues 184-204): MSASVQRAVA[Met194Val]SSGDVPGARG